The following is an entry in ClinVar:

ClinVar aggregate classification (germline): Uncertain significance (1 of 4 stars; one submission).

Conditions:
Primary ciliary dyskinesia 29. Also called: CILIARY DYSKINESIA, PRIMARY, 29, WITHOUT SITUS INVERSUS. Identifiers: Orphanet 244, MedGen C4014534, MONDO:0014378, OMIM 615872.

Submission:

Laboratorio de Genetica e Diagnostico Molecular, Hospital Israelita Albert Einstein
Classification: Uncertain significance for Primary ciliary dyskinesia 29. Last evaluated: 2025-03-21. Review status: criteria provided, single submitter. Criteria: ACMG Guidelines, 2015. Collection method: clinical testing. Allele origin: germline. Affected: yes.
Comment: ACMG classification criteria: PM2 supporting, PM3 moderate, PP3 supporting

NM_021147.5(CCNO):c.381+10T>G

Gene: CCNO (cyclin O; minus strand). Cytogenetic location: 5q11.2.
Variant type: single nucleotide variant.
Coding change: c.381+10T>G on transcript NM_021147.5 (MANE Select); 10 bases into the intron after coding-DNA position 381, T replaced by G.
Molecular consequence: intron variant. On other transcripts: non-coding transcript variant (1).
Genome position (GRCh38, 1-based): chr5:55,233,133, A>C on the plus strand (T>G on the coding strand, the complement: CCNO is on the minus strand). VCF-style: chr5-55233133-A-C. GRCh37 (hg19) VCF-style: chr5-54528961-A-C.
Identifiers: ClinVar variation 3902048 (VCV003902048.1).
Genomic context (GRCh38, chr5:55,233,133, plus strand): 5'-GGCAGGAGAGGAGAGAGCCTGGGAGGAGAGGAAGAGCGGCGGCGTGGAGCTGGCTCTACC[A>C]GCACCTCACTTGTGGCTGCCGTGCCAGCGCCTCCCGCGGGTGGAAGTGGCTCTCCTGCGC-3'